The following is an entry in ClinVar:

ClinVar aggregate classification (germline): Benign. Review status: criteria provided, single submitter (1 of 4 stars). 2 submissions from 1 submitter: Benign (2). Last evaluated 2018-01-13.

Conditions:
Neuronopathy, distal hereditary motor, type 2A. Also called: NEURONOPATHY, DISTAL HEREDITARY MOTOR, AUTOSOMAL DOMINANT 2; NEURONOPATHY, DISTAL HEREDITARY MOTOR, HARDING TYPE IIA; NEUROPATHY, DISTAL HEREDITARY MOTOR, HARDING TYPE IIA; SPINAL MUSCULAR ATROPHY, DISTAL, ADULT, AUTOSOMAL DOMINANT, HARDING TYPE IIA; HMN IIA; CHARCOT-MARIE-TOOTH DISEASE, SPINAL, IIA. Identifiers: Orphanet 139525, MedGen C1834692, MONDO:0008025, OMIM 158590.
Charcot-Marie-Tooth disease axonal type 2L. Also called: Charcot-Marie-Tooth Neuropathy Type 2L; CHARCOT-MARIE-TOOTH DISEASE, AXONAL, AUTOSOMAL DOMINANT, TYPE 2L; CHARCOT-MARIE-TOOTH NEUROPATHY, AXONAL, TYPE 2L. Identifiers: Orphanet 99945, MedGen C1837552, MONDO:0012096, OMIM 608673.

Allele frequency attached by ClinVar (database versions not stated): gnomAD 0.00043 and 0.00021; gnomAD exomes 0.00080; 1000 Genomes Project 30x 0.00265; 1000 Genomes Project 0.00339; TOPMed 0.00047.

Submissions (2):

Illumina Laboratory Services, Illumina
Classification: Benign for Neuronopathy, distal hereditary motor, type 2A. Last evaluated: 2018-01-13. Review status: criteria provided, single submitter. Criteria: ICSL Variant Classification Criteria 13 December 2019. Collection method: clinical testing. Allele origin: germline.
Comment: This variant was observed in the ICSL laboratory as part of a predisposition screen in an ostensibly healthy population. It had not been previously curated by ICSL or reported in the Human Gene Mutation Database (HGMD: prior to June 1st, 2018), and was therefore a candidate for classification through an automated scoring system. Utilizing variant allele frequency, disease prevalence and penetrance estimates, and inheritance mode, an automated score was calculated to assess if this variant is too frequent to cause the disease. Based on the score and internal cut-off values, a variant classified as benign is not then subjected to further curation. The score for this variant resulted in a classification of benign for this disease.

Illumina Laboratory Services, Illumina
Classification: Benign for Charcot-Marie-Tooth disease axonal type 2L. Last evaluated: 2018-01-13. Review status: criteria provided, single submitter. Criteria: ICSL Variant Classification Criteria 13 December 2019. Collection method: clinical testing. Allele origin: germline.
Comment: the same text as in the submission from Illumina Laboratory Services, Illumina above.

NM_014365.2(HSPB8):c.-457A>G

Gene: HSPB8 (heat shock protein family B (small) member 8; plus strand). Cytogenetic location: 12q24.23.
Variant type: single nucleotide variant.
Coding change: c.-457A>G on transcript NM_014365.2; 457 bases upstream of the start codon, A replaced by G.
Genome position (GRCh38, 1-based): chr12:119,178,856, A>G. VCF-style: chr12-119178856-A-G. GRCh37 (hg19) VCF-style: chr12-119616661-A-G.
Identifiers: ClinVar variation 307411 (VCV000307411.7), dbSNP rs564088535, ClinGen allele CA10632123.